The following is an entry in ClinVar:

NM_000256.3(MYBPC3):c.3774dup (p.Gln1259fs)

Gene: MYBPC3 (myosin binding protein C3; minus strand). Cytogenetic location: 11p11.2.
Variant type: Duplication.
Coding change: c.3774dup on transcript NM_000256.3 (MANE Select); coding-DNA position 3774, one base duplicated (A; older notation c.3774dupA).
Protein change: p.Gln1259fs; shifts the reading frame from glutamine 1259.
Molecular consequence: frameshift variant.
Genome position (GRCh38, 1-based): chr11:47,332,112, T duplicated on the plus strand (A on the coding strand, the reverse complement: MYBPC3 is on the minus strand). VCF-style (leftmost placement, unchanged base first): chr11-47332111-G-GT. GRCh37 (hg19) VCF-style: chr11-47353662-G-GT.
Other names: short protein forms Q1259fs.
Identifiers: ClinVar variation 3895393 (VCV003895393.1).

ClinVar aggregate classification (germline): Likely pathogenic (1 of 4 stars; one submission).

Conditions:
Cardiovascular phenotype. Identifiers: MedGen CN230736.

Submission:

Molecular Diagnostic Laboratory for Inherited Cardiovascular Disease, Montreal Heart Institute
Classification: Likely pathogenic for Cardiovascular phenotype. Last evaluated: 2025-01-21. Review status: criteria provided, single submitter. Criteria: ACMG Guidelines, 2015. Collection method: clinical testing. Allele origin: germline. Affected: yes.
Comment: PVS1, PM2